The following is an entry in ClinVar:

NM_014989.7(RIMS1):c.2699-19_2699-18del

Gene: RIMS1 (regulating synaptic membrane exocytosis 1; plus strand). Cytogenetic location: 6q13.
Variant type: Deletion.
Coding change: c.2699-19_2699-18del on transcript NM_014989.7 (MANE Select); 19 bases into the intron before coding-DNA position 2699 through 18 bases into the intron before coding-DNA position 2699, 2 bases deleted (TT; older notation c.2699-19_2699-18delTT).
Molecular consequence: intron variant.
Genome position (GRCh38, 1-based): chr6:72,252,742-72,252,743, TT deleted; deleting any 2 consecutive bases within chr6:72,252,741-72,252,743 gives the same sequence; the c. name uses the placement nearest the transcript's 3' end. VCF-style (leftmost placement, unchanged base first): chr6-72252740-CTT-C. GRCh37 (hg19) VCF-style: chr6-72962443-CTT-C.
Other names: c.1052-19_1052-18del (NM_001350428.2, NM_001350459.2, NM_001350424.2 and 6 more transcripts); c.1121-19_1121-18del (NM_001350458.2, NM_001350433.2, NM_001350446.2 and 37 more transcripts); c.878-19_878-18del (NM_001350469.2, NM_001168409.2, NM_001350466.2 and 6 more transcripts); c.1076-19_1076-18del (NM_001350470.2, NM_001168410.2, NM_001350473.2 and 2 more transcripts).
Identifiers: ClinVar variation 2125545 (VCV002125545.4), dbSNP rs771363470, ClinGen allele CA3886013.

ClinVar aggregate classification (germline): Uncertain significance (1 of 4 stars; one submission).

Submission:

Labcorp Genetics (formerly Invitae), Labcorp
Classification: Uncertain significance. Last evaluated: 2022-04-12. Review status: criteria provided, single submitter. Criteria: Invitae Variant Classification Sherloc (09022015). Collection method: clinical testing. Allele origin: germline.
Comment: This variant has not been reported in the literature in individuals affected with RIMS1-related conditions. In summary, the available evidence is currently insufficient to determine the role of this variant in disease. Therefore, it has been classified as a Variant of Uncertain Significance. Algorithms developed to predict the effect of sequence changes on RNA splicing suggest that this variant may disrupt the consensus splice site. This variant is not present in population databases (gnomAD no frequency). This sequence change falls in intron 15 of the RIMS1 gene. It does not directly change the encoded amino acid sequence of the RIMS1 protein.